The following is an entry in ClinVar:

NM_006915.3(RP2):c.761T>C (p.Ile254Thr)

Gene: RP2 (RP2 activator of ARL3 GTPase; plus strand). Cytogenetic location: Xp11.3.
Variant type: single nucleotide variant.
Coding change: c.761T>C on transcript NM_006915.3 (MANE Select); coding-DNA position 761, T replaced by C.
Protein change: p.Ile254Thr; replaces isoleucine 254 with threonine.
Molecular consequence: missense variant.
Genome position (GRCh38, 1-based): chrX:46,854,134, T>C. VCF-style: chrX-46854134-T-C. GRCh37 (hg19) VCF-style: chrX-46713569-T-C.
Other names: short protein forms I254T.
Identifiers: ClinVar variation 1331343 (VCV001331343.3), dbSNP rs1556318773, ClinGen allele CA413040657.

ClinVar aggregate classification (germline): Uncertain significance. Review status: criteria provided, single submitter (1 of 4 stars). 2 submissions from 2 submitters: Uncertain significance (1). 1 of the submissions does not count toward it. Last evaluated 2022-01-05.

Conditions:
Retinitis pigmentosa 2 (RP2). Also called: Retinitis pigmentosa 2, X linked. Identifiers: Orphanet 791, MedGen C2681923, MONDO:0010723, OMIM 312600.
Retinal dystrophy. Also called: Inherited retinal dystrophy. Identifiers: Orphanet 71862, MedGen C0854723, MeSH D058499, MONDO:0019118, HP:0000556.

Allele frequency attached by ClinVar (database versions not stated): gnomAD exomes 0.00001.

Submissions (2):

Institute of Human Genetics, University of Goettingen
Classification: Uncertain significance for Retinitis pigmentosa 2. Last evaluated: 2022-01-05. Review status: criteria provided, single submitter. Criteria: ACMG Guidelines, 2015. Collection method: clinical testing. Allele origin: germline. Inheritance: X-linked inheritance. Affected: yes. Observed: 1 heterozygote.
Comment: This variant results in a exchange of aminoacid Isoleucine to Threonine. The position is highly conserved and is located in the kinase domaine of the protein. The variant is not described elsewhere and prediction tools predict a damaging effect of the exchange. following ACMG criteria were included: PM2, PP2 and PP3.

Institute of Human Genetics, Univ. Regensburg, Univ. Regensburg
Classification: Uncertain significance for Retinal dystrophy. Last evaluated: 2019-01-01. Review status: no assertion criteria provided. Criteria: ACMG Guidelines, 2015. Collection method: clinical testing. Allele origin: germline. Affected: yes. Not counted in ClinVar's aggregate classification.